The following is an entry in ClinVar:

ClinVar aggregate classification (germline): Uncertain significance (1 of 4 stars; one submission).

Conditions:
USP8-related disorder. Also called: USP8-related condition.

gnomAD v4.1: 4 of 1,607,102 alleles (0.00025%); highest among the groups gnomAD compares: African/African-American, 0.0013%; no homozygotes.

Submission:

PreventionGenetics, part of Exact Sciences
Classification: Uncertain significance for USP8-related condition. Last evaluated: 2022-12-26. Review status: criteria provided, single submitter. Criteria: ACMG Guidelines, 2015. Collection method: clinical testing. Allele origin: germline.
Comment: The USP8 c.964C>T variant is predicted to result in premature protein termination (p.Arg322*). To our knowledge, this variant has not been reported in the literature or in a large population database, indicating this variant is rare. At this time, the clinical significance of this variant is uncertain due to the absence of conclusive functional and genetic evidence.

NM_005154.5(USP8):c.964C>T (p.Arg322Ter)

Gene: USP8 (ubiquitin specific peptidase 8; plus strand). Cytogenetic location: 15q21.2.
Variant type: single nucleotide variant.
Coding change: c.964C>T on transcript NM_005154.5 (MANE Select); coding-DNA position 964, C replaced by T.
Protein change: p.Arg322Ter; replaces arginine 322 with a stop codon.
Molecular consequence: nonsense.
Genome position (GRCh38, 1-based): chr15:50,476,963, C>T. VCF-style: chr15-50476963-C-T. GRCh37 (hg19) VCF-style: chr15-50769160-C-T.
Other names: c.964C>T, p.Arg322Ter (NM_001128610.3); c.733C>T, p.Arg245Ter (NM_001283049.2); short protein forms R245*, R322*.
Identifiers: ClinVar variation 2629055 (VCV002629055.1), dbSNP rs574030216, ClinGen allele CA392389023.
Genomic context (GRCh38, chr15:50,476,963, plus strand): 5'-GAAAACTGGCTCCTTTGTTATCCCCAGTATACAACAAATGCTAAGGTCACTCCACCCCCA[C>T]GACGCCAGAATGAAGAGGTGTCTATCTCATGTATGTATGTGAAAATTTTTGTTTAAAATT-3'